The following is an entry in ClinVar:

NM_005732.4(RAD50):c.1609C>T (p.Gln537Ter)

Gene: RAD50 (RAD50 double strand break repair protein; plus strand). Cytogenetic location: 5q31.1.
Variant type: single nucleotide variant.
Coding change: c.1609C>T on transcript NM_005732.4 (MANE Select); coding-DNA position 1609, C replaced by T.
Protein change: p.Gln537Ter; replaces glutamine 537 with a stop codon.
Molecular consequence: nonsense.
Genome position (GRCh38, 1-based): chr5:132,591,380, C>T. VCF-style: chr5-132591380-C-T. GRCh37 (hg19) VCF-style: chr5-131927072-C-T.
Other names: c.1609C>T (NM_005732.3); short protein forms Q537*.
Identifiers: ClinVar variation 2086651 (VCV002086651.5), dbSNP rs2149842334, ClinGen allele CA360946106.
Genomic context (GRCh38, chr5:132,591,380, plus strand): 5'-ACCCTGCGTAAACTTGACCAGGAGATGGAGCAGTTAAACCATCATACAACAACACGTACC[C>T]AAATGGAGATGCTGACCAAAGACAAAGTATGATTTTTCTTTTTGTTCTAATTATACTGTC-3'

ClinVar aggregate classification (germline): Pathogenic. Review status: criteria provided, multiple submitters, no conflicts (2 of 4 stars). 2 submissions from 2 submitters: Pathogenic (2). Last evaluated 2024-04-06.

Conditions:
Hereditary cancer-predisposing syndrome. Also called: Tumor predisposition; Neoplastic Syndromes, Hereditary; Hereditary Cancer Syndrome; Hereditary neoplastic syndrome. Identifiers: Orphanet 140162, MedGen C0027672, MeSH D009386, MONDO:0015356.

Submissions (2):

Ambry Genetics
Classification: Pathogenic for Hereditary cancer-predisposing syndrome. Last evaluated: 2024-04-06. Review status: criteria provided, single submitter. Criteria: Ambry Variant Classification Scheme 2023. Collection method: clinical testing. Allele origin: germline.
Comment: The p.Q537* variant (also known as c.1609C>T), located in coding exon 10 of the RAD50 gene, results from a C to T substitution at nucleotide position 1609. This changes the amino acid from a glutamine to a stop codon within coding exon 10. This variant is considered to be rare based on population cohorts in the Genome Aggregation Database (gnomAD). This alteration is expected to result in loss of function by premature protein truncation or nonsense-mediated mRNA decay. As such, this alteration is interpreted as a disease-causing mutation.

Labcorp Genetics (formerly Invitae), Labcorp
Classification: Pathogenic for Hereditary cancer-predisposing syndrome. Last evaluated: 2022-01-17. Review status: criteria provided, single submitter. Criteria: Invitae Variant Classification Sherloc (09022015). Collection method: clinical testing. Allele origin: germline.
Comment: For these reasons, this variant has been classified as Pathogenic. This variant has not been reported in the literature in individuals affected with RAD50-related conditions. This variant is not present in population databases (gnomAD no frequency). This sequence change creates a premature translational stop signal (p.Gln537*) in the RAD50 gene. It is expected to result in an absent or disrupted protein product. Loss-of-function variants in RAD50 are known to be pathogenic (PMID: 19409520).

Literature cited by the submitters: PubMed 19409520 (cited by Labcorp Genetics (formerly Invitae), Labcorp).